The following is an entry in ClinVar:

ClinVar aggregate classification (germline): Benign/Likely benign. Review status: criteria provided, multiple submitters, no conflicts (2 of 4 stars). 4 submissions from 4 submitters: Benign (2); Likely benign (2). Last evaluated 2026-02-01.

Conditions:
Inflammatory bowel disease 28. Also called: Inflammatory bowel disease 28, early onset, autosomal recessive. Identifiers: Orphanet 238569, MedGen C2751053, MONDO:0013153, OMIM 613148.

Allele frequency attached by ClinVar (database versions not stated): ESP Exome Variant Server 0.00231; 1000 Genomes Project 30x 0.00297; 1000 Genomes Project 0.00300.

Submissions (4):

Labcorp Genetics (formerly Invitae), Labcorp
Classification: Benign for Inflammatory bowel disease 28. Last evaluated: 2026-02-01. Review status: criteria provided, single submitter. Criteria: Invitae Variant Classification Sherloc (09022015). Collection method: clinical testing. Allele origin: germline.

CeGaT Center for Human Genetics Tuebingen
Classification: Likely benign. Last evaluated: 2025-12-01. Review status: criteria provided, single submitter. Criteria: CeGaT Center For Human Genetics Tuebingen Variant Classification Criteria Version 2. Collection method: clinical testing. Allele origin: germline. Affected: yes. Observed: 6 variant alleles.
Comment: IL10RA: BS2

Blueprint Genetics
Classification: Likely benign. Last evaluated: 2024-11-08. Review status: criteria provided, single submitter. Criteria: ACMG Guidelines, 2015. Collection method: clinical testing. Allele origin: germline.

Breakthrough Genomics
Classification: Benign. Review status: criteria provided, single submitter. Criteria: ACMG Guidelines, 2015. Collection method: not provided. Allele origin: germline. Inheritance: Autosomal recessive inheritance. Affected: yes.

NM_001558.4(IL10RA):c.368-18C>G

Gene: IL10RA (interleukin 10 receptor subunit alpha; plus strand). Cytogenetic location: 11q23.3.
Variant type: single nucleotide variant.
Coding change: c.368-18C>G on transcript NM_001558.4 (MANE Select); 18 bases into the intron before coding-DNA position 368, C replaced by G.
Molecular consequence: intron variant.
Genome position (GRCh38, 1-based): chr11:117,993,223, C>G. VCF-style: chr11-117993223-C-G. GRCh37 (hg19) VCF-style: chr11-117863938-C-G.
Identifiers: ClinVar variation 1170313 (VCV001170313.34), dbSNP rs4252308, ClinGen allele CA6298927.